The following is an entry in ClinVar:

ClinVar aggregate classification (germline): Uncertain significance (1 of 4 stars; one submission).

Conditions:
Familial cancer of breast. Also called: BREAST CANCER, FAMILIAL; Hereditary breast cancer; hereditary breast carcinoma. Identifiers: Orphanet 227535, MedGen C0346153, MONDO:0016419, OMIM 114480. Disease mechanism: loss of function.

gnomAD v4.1: 1 of 1,612,622 alleles (0.000062%); highest among the groups gnomAD compares: Middle Eastern, 0.017%; no homozygotes.

Submission:

Labcorp Genetics (formerly Invitae), Labcorp
Classification: Uncertain significance for Familial cancer of breast. Last evaluated: 2023-10-16. Review status: criteria provided, single submitter. Criteria: Invitae Variant Classification Sherloc (09022015). Collection method: clinical testing. Allele origin: germline.
Comment: This sequence change falls in intron 6 of the BARD1 gene. It does not directly change the encoded amino acid sequence of the BARD1 protein. It affects a nucleotide within the consensus splice site. This variant is not present in population databases (gnomAD no frequency). This variant has not been reported in the literature in individuals affected with BARD1-related conditions. Variants that disrupt the consensus splice site are a relatively common cause of aberrant splicing (PMID: 17576681, 9536098). Algorithms developed to predict the effect of sequence changes on RNA splicing suggest that this variant is not likely to affect RNA splicing. In summary, the available evidence is currently insufficient to determine the role of this variant in disease. Therefore, it has been classified as a Variant of Uncertain Significance.

Literature cited by the submitters: PubMed 17576681; PubMed 9536098.

NM_000465.4(BARD1):c.1568+4A>T

Gene: BARD1 (BRCA1 associated RING domain 1; minus strand). Cytogenetic location: 2q35.
Variant type: single nucleotide variant.
Coding change: c.1568+4A>T on transcript NM_000465.4 (MANE Select); 4 bases into the intron after coding-DNA position 1568, A replaced by T.
Molecular consequence: intron variant.
Genome position (GRCh38, 1-based): chr2:214,767,478, T>A on the plus strand (A>T on the coding strand, the complement: BARD1 is on the minus strand). VCF-style: chr2-214767478-T-A. GRCh37 (hg19) VCF-style: chr2-215632202-T-A.
Other names: c.159-14923A>T (NM_001282548.2); c.1511+4A>T (NM_001282543.2); c.216-14923A>T (NM_001282545.2); c.364+24819A>T (NM_001282549.2).
Identifiers: ClinVar variation 2791504 (VCV002791504.3), dbSNP rs781268123, ClinGen allele CA2662971675.